The following is an entry in ClinVar:

NM_017739.4(POMGNT1):c.390del (p.Ile131fs)

Genes: POMGNT1 (protein O-linked mannose N-acetylglucosaminyltransferase 1 (beta 1,2-); minus strand), TSPAN1 (tetraspanin 1; plus strand). Cytogenetic location: 1p34.1.
Variant type: Deletion.
Coding change: c.390del on transcript NM_017739.4 (MANE Select); coding-DNA position 390, one base deleted (C; older notation c.390delC).
Protein change: p.Ile131fs; shifts the reading frame from isoleucine 131.
Molecular consequence: frameshift variant. On other transcripts: 5 prime UTR variant (1).
Genome position (GRCh38, 1-based): chr1:46,196,042, G deleted on the plus strand (C on the coding strand, the reverse complement: POMGNT1 is on the minus strand). VCF-style (leftmost placement, unchanged base first): chr1-46196041-TG-T. GRCh37 (hg19) VCF-style: chr1-46661713-TG-T.
Other names: c.390del, p.Ile131fs (NM_001243766.2, NM_001410783.1); c.324delC, p.Ile109Serfs (NM_001290129.3); c.-40del (NM_001290130.2); short protein forms I109fs, I131fs.
Identifiers: ClinVar variation 1988629 (VCV001988629.5), dbSNP rs1658215085, ClinGen allele CA2474083565.
Genomic context (GRCh38, chr1:46,196,041, plus strand): 5'-CCCTCTGGGTCACCCACCCCTAGAAACTCACCGTGGCCTGGTTGAGGACAATGACATGGA[TG>T]CCCCGGCCCTGCTCCCGGGCCTCATCCTCCAGCACCTACACAGTGGCAGAGACAAAGTCC-3'

ClinVar aggregate classification (germline): Pathogenic/Likely pathogenic. Review status: criteria provided, multiple submitters, no conflicts (2 of 4 stars). 2 submissions from 2 submitters: Pathogenic (1); Likely pathogenic (1). Last evaluated 2023-04-05.

Conditions:
Muscular dystrophy-dystroglycanopathy (congenital with brain and eye anomalies), type A3. Also called: WALKER-WARBURG SYNDROME OR MUSCLE-EYE-BRAIN DISEASE, POMGNT1-RELATED; Congenital muscular dystrophy-dystroglycanopathy with brain and eye anomalies, type A3; Muscular dystrophy-dystroglycanopathy (congenital with brain and eye anomalies), type A, 3. Identifiers: MedGen C3151519, MONDO:0009667, OMIM 253280.
Autosomal recessive limb-girdle muscular dystrophy type 2O. Also called: Limb-Girdle Muscular Dystrophy Type 3C; MUSCULAR DYSTROPHY-DYSTROGLYCANOPATHY (LIMB-GIRDLE), TYPE C, 3; MUSCULAR DYSTROPHY-DYSTROGLYCANOPATHY, LIMB-GIRDLE, POMGNT1-RELATED. Identifiers: Orphanet 206564, MedGen C3150417, MONDO:0013161, OMIM 613157.
Muscular dystrophy-dystroglycanopathy (congenital with impaired intellectual development), type B, 3. Also called: MUSCULAR DYSTROPHY, CONGENITAL, POMGNT1-RELATED; Muscular dystrophy-dystroglycanopathy (congenital with intellectual disability), type B3. Identifiers: MedGen C3150412, MONDO:0013155, OMIM 613151.

Allele frequency attached by ClinVar (database versions not stated): TOPMed below 0.00001.

Submissions (2):

Baylor Genetics
Classification: Likely pathogenic for Muscular dystrophy-dystroglycanopathy (congenital with brain and eye anomalies), type A3. Last evaluated: 2023-04-05. Review status: criteria provided, single submitter. Criteria: ACMG Guidelines, 2015. Collection method: clinical testing. Allele origin: unknown.

Labcorp Genetics (formerly Invitae), Labcorp
Classification: Pathogenic for Autosomal recessive limb-girdle muscular dystrophy type 2O; Muscular dystrophy-dystroglycanopathy (congenital with impaired intellectual development), type B, 3. Last evaluated: 2022-04-15. Review status: criteria provided, single submitter. Criteria: Invitae Variant Classification Sherloc (09022015). Collection method: clinical testing. Allele origin: germline.
Comment: This sequence change creates a premature translational stop signal (p.Ile131Serfs*13) in the POMGNT1 gene. It is expected to result in an absent or disrupted protein product. Loss-of-function variants in POMGNT1 are known to be pathogenic (PMID: 19299310, 20816175, 21447391, 26908613, 27391550). This variant is not present in population databases (gnomAD no frequency). This variant has not been reported in the literature in individuals affected with POMGNT1-related conditions. For these reasons, this variant has been classified as Pathogenic.

Literature cited by the submitters: PubMed 19299310 (cited by Labcorp Genetics (formerly Invitae), Labcorp); PubMed 20816175 (cited by Labcorp Genetics (formerly Invitae), Labcorp); PubMed 21447391 (cited by Labcorp Genetics (formerly Invitae), Labcorp); PubMed 26908613 (cited by Labcorp Genetics (formerly Invitae), Labcorp); PubMed 27391550 (cited by Labcorp Genetics (formerly Invitae), Labcorp).